The following is an entry in ClinVar:

NM_001378120.1(MBD5):c.236G>A (p.Gly79Glu)

Gene: MBD5 (methyl-CpG binding domain protein 5; plus strand). Cytogenetic location: 2q23.1.
Variant type: single nucleotide variant.
Coding change: c.236G>A on transcript NM_001378120.1 (MANE Select); coding-DNA position 236, G replaced by A.
Protein change: p.Gly79Glu; replaces glycine 79 with glutamic acid.
Molecular consequence: missense variant.
Genome position (GRCh38, 1-based): chr2:148,463,758, G>A. VCF-style: chr2-148463758-G-A. GRCh37 (hg19) VCF-style: chr2-149221327-G-A.
Other names: p.G79E:GGA>GAA; c.236G>A, p.Gly79Glu (NM_018328.5); short protein forms G79E.
Identifiers: ClinVar variation 198891 (VCV000198891.61), dbSNP rs34995577, ClinGen allele CA247782.
Genomic context (GRCh38, chr2:148,463,758, plus strand): 5'-TTTTACAGACATATTCTAAACAAAGGCTGTGCTTTTTCCAGGTATTTAATTTTGATCCTG[G>A]AGCTGCTGTGAAACAGAGAACCGCAGAAGATGTTAAGGCAGATGAAGATGTCACAAAGCT-3'
Protein context (NP_001365049.1, residues 69-89): ILPKVFNFDP[Gly79Glu]AAVKQRTAED

ClinVar aggregate classification (germline): Conflicting classifications of pathogenicity. Review status: criteria provided, conflicting classifications (1 of 4 stars). 14 submissions from 14 submitters: Uncertain significance (1); Benign (2); Likely benign (8). 3 of the submissions do not count toward it. Last evaluated 2026-02-01.

Conditions:
MBD5-related disorder. Also called: MBD5-related condition.
MBD5 associated neurodevelopmental disorder.
Inborn genetic diseases. Identifiers: MedGen C0950123, MeSH D030342.
Intellectual developmental disorder, autosomal dominant 1. Also called: MBD5 Haploinsufficiency; Intellectual disability, autosomal dominant 1. Identifiers: Orphanet 228402, MedGen C1969562, MONDO:0007974, OMIM 156200.

Allele frequency attached by ClinVar (database versions not stated): 1000 Genomes Project 30x 0.00031; 1000 Genomes Project 0.00040; TOPMed 0.00050; gnomAD exomes 0.00058 and 0.00090; gnomAD 0.00060 and 0.00061; ExAC 0.00075; ESP Exome Variant Server 0.00077.
gnomAD v4.1: 1,400 of 1,613,622 alleles (0.087%); highest among the groups gnomAD compares: Non-Finnish European, 0.11%; 1 homozygote.

Submissions (15):

CeGaT Center for Human Genetics Tuebingen
Classification: Likely benign. Last evaluated: 2026-02-01. Review status: criteria provided, single submitter. Criteria: CeGaT Center For Human Genetics Tuebingen Variant Classification Criteria Version 2. Collection method: clinical testing. Allele origin: germline. Affected: yes. Observed: 12 variant alleles.
Comment: MBD5: BS1

Labcorp Genetics (formerly Invitae), Labcorp
Classification: Likely benign for Intellectual developmental disorder, autosomal dominant 1. Last evaluated: 2026-01-04. Review status: criteria provided, single submitter. Criteria: Invitae Variant Classification Sherloc (09022015). Collection method: clinical testing. Allele origin: germline.

Blueprint Genetics
Classification: Likely benign. Last evaluated: 2024-11-26. Review status: criteria provided, single submitter. Criteria: ACMG Guidelines, 2015. Collection method: clinical testing. Allele origin: germline.

Mayo Clinic Laboratories, Mayo Clinic
Classification: Benign for Intellectual developmental disorder, autosomal dominant 1. Last evaluated: 2024-04-11. Review status: criteria provided, single submitter. Criteria: ACMG Guidelines, 2015. Collection method: clinical testing. Allele origin: maternal.
Comment: BS1, BS2, BS4

Laboratory for Molecular Medicine, Mass General Brigham Personalized Medicine
Classification: Likely benign. Last evaluated: 2024-02-05. Review status: criteria provided, single submitter. Criteria: ACMG Guidelines, 2015. Collection method: clinical testing. Allele origin: germline.
Comment: The p.Gly79Glu variant in MBD5 is classified as likely benign because it has been identified in 0.1% (75/68004) of European chromosomes by gnomAD (v.3.1.2). ACMG/AMP Criteria applied: BS1.

Ambry Genetics
Classification: Likely benign for Inborn genetic diseases. Last evaluated: 2021-12-14. Review status: criteria provided, single submitter. Criteria: Ambry Variant Classification Scheme 2023. Collection method: clinical testing. Allele origin: germline.

GeneDx
Classification: Benign. Last evaluated: 2019-10-02. Review status: criteria provided, single submitter. Criteria: GeneDx Variant Classification Process June 2021. Collection method: clinical testing. Allele origin: germline. Affected: yes.
Comment: This variant is associated with the following publications: (PMID: 27222293, 21981781, 23055267)

Mendelics
Classification: Likely benign for Intellectual developmental disorder, autosomal dominant 1. Last evaluated: 2019-05-28. Review status: criteria provided, single submitter. Criteria: Mendelics Assertion Criteria 2017. Collection method: clinical testing. Allele origin: unknown.

Athena Diagnostics
Classification: Likely benign. Last evaluated: 2018-04-13. Review status: criteria provided, single submitter. Criteria: Athena Diagnostics Criteria. Collection method: clinical testing. Allele origin: germline.

Eurofins Ntd Llc (ga)
Classification: Uncertain significance. Last evaluated: 2018-01-16. Review status: criteria provided, single submitter. Criteria: EGL Classification Definitions 2015. Collection method: clinical testing. Allele origin: germline. Observed: 7 variant alleles, 7 heterozygotes.

Genetic Services Laboratory, University of Chicago
Classification: Likely benign. Last evaluated: 2015-10-21. Review status: criteria provided, single submitter. Criteria: ACMG Guidelines, 2015. Collection method: clinical testing. Allele origin: germline. Affected: no.

PreventionGenetics, part of Exact Sciences
Classification: Likely benign for MBD5-related condition. Last evaluated: 2021-11-19. Review status: no assertion criteria provided. Collection method: clinical testing. Allele origin: germline. Not counted in ClinVar's aggregate classification.
Comment: This variant is classified as likely benign based on ACMG/AMP sequence variant interpretation guidelines (Richards et al. 2015 PMID: 25741868, with internal and published modifications).

Dr. Peter K. Rogan Lab, Western University
No classification provided (evidence only). Condition: Gastric cancer. Review status: no classification provided. Collection method: in vitro. Allele origin: not applicable. Functional consequence: retained intron. Not counted in ClinVar's aggregate classification.

Fulgent Genetics
Classification: Uncertain significance for Intellectual developmental disorder, autosomal dominant 1. Last evaluated: 2017-05-23. Review status: flagged submission. Criteria: ACMG Guidelines, 2015. Collection method: clinical testing. Allele origin: unknown. Not counted in ClinVar's aggregate classification.
ClinVar note: Reason: Outlier claim with insufficient supporting evidence

Elsea Laboratory, Baylor College of Medicine
Classification: Likely pathogenic for MBD5 associated neurodevelopmental disorder. Last evaluated: 2012-10-01. Review status: flagged submission. Criteria: Submitter's publication. Collection method: research. Allele origin: de novo. Affected: yes. Observed: 1 variant allele. Not counted in ClinVar's aggregate classification.
ClinVar note: Reason: Outlier claim with insufficient supporting evidence

Literature cited by the submitters: PubMed 21981781 (cited by Athena Diagnostics); PubMed 27222293 (cited by Athena Diagnostics); PubMed 23055267 (cited by Athena Diagnostics).